The following is an entry in ClinVar:

ClinVar aggregate classification (germline): Uncertain significance (1 of 4 stars; one submission).

Conditions:
Fanconi anemia (FA). Also called: Fanconi's anemia. Identifiers: Orphanet 84, MedGen C0015625, MeSH D005199, MONDO:0019391.

Allele frequency attached by ClinVar (database versions not stated): gnomAD exomes 0.00001 and 0.00003; TOPMed 0.00001; ExAC 0.00003; gnomAD 0.00003; ESP Exome Variant Server 0.00008.

Submission:

Labcorp Genetics (formerly Invitae), Labcorp
Classification: Uncertain significance for Fanconi anemia. Last evaluated: 2025-05-07. Review status: criteria provided, single submitter. Criteria: Invitae Variant Classification Sherloc (09022015). Collection method: clinical testing. Allele origin: germline.
Comment: This sequence change replaces arginine, which is basic and polar, with cysteine, which is neutral and slightly polar, at codon 295 of the FANCL protein (p.Arg295Cys). This variant is present in population databases (rs376528147, gnomAD 0.008%). This variant has not been reported in the literature in individuals affected with FANCL-related conditions. ClinVar contains an entry for this variant (Variation ID: 1497573). Invitae Evidence Modeling of protein sequence and biophysical properties (such as structural, functional, and spatial information, amino acid conservation, physicochemical variation, residue mobility, and thermodynamic stability) indicates that this missense variant is not expected to disrupt FANCL protein function with a negative predictive value of 80%. Algorithms developed to predict the effect of sequence changes on RNA splicing suggest that this variant may disrupt the consensus splice site. In summary, the available evidence is currently insufficient to determine the role of this variant in disease. Therefore, it has been classified as a Variant of Uncertain Significance.

NM_018062.4(FANCL):c.883C>T (p.Arg295Cys)

Gene: FANCL (FA complementation group L; minus strand). Cytogenetic location: 2p16.1.
Variant type: single nucleotide variant.
Coding change: c.883C>T on transcript NM_018062.4 (MANE Select); coding-DNA position 883, C replaced by T.
Protein change: p.Arg295Cys; replaces arginine 295 with cysteine.
Molecular consequence: missense variant.
Genome position (GRCh38, 1-based): chr2:58,162,886, G>A on the plus strand (C>T on the coding strand, the complement: FANCL is on the minus strand). VCF-style: chr2-58162886-G-A. GRCh37 (hg19) VCF-style: chr2-58390021-G-A.
Other names: c.898C>T, p.Arg300Cys (NM_001114636.2); c.928C>T, p.Arg310Cys (NM_001374615.1); c.943C>T, p.Arg315Cys (NM_001410792.1); short protein forms R295C, R310C, R300C, R315C.
Identifiers: ClinVar variation 1497573 (VCV001497573.6), dbSNP rs376528147, ClinGen allele CA1670409.
Genomic context (GRCh38, chr2:58,162,886, plus strand): 5'-GCAATACTGTCTGGAATATCAAAACACTGATAAAACTTACAGATTTTTCCAGGATAGCAC[G>A]AGCTGGAAAATCAATTTCTAAAACATCTTTCAAATTTTGTAACACACTATTTTCTGGATC-3'
Protein context (NP_060532.2, residues 285-305): KDVLEIDFPA[Arg295Cys]AILEKSDFTM